The following is an entry in ClinVar:

ClinVar aggregate classification (germline): Uncertain significance (1 of 4 stars; one submission).

Submission:

Labcorp Genetics (formerly Invitae), Labcorp
Classification: Uncertain significance. Last evaluated: 2022-07-17. Review status: criteria provided, single submitter. Criteria: Invitae Variant Classification Sherloc (09022015). Collection method: clinical testing. Allele origin: germline.
Comment: This variant has not been reported in the literature in individuals affected with UNC80-related conditions. This variant is not present in population databases (gnomAD no frequency). This sequence change replaces glutamic acid, which is acidic and polar, with glutamine, which is neutral and polar, at codon 2125 of the UNC80 protein (p.Glu2125Gln). Algorithms developed to predict the effect of missense changes on protein structure and function are either unavailable or do not agree on the potential impact of this missense change (SIFT: "Not Available"; PolyPhen-2: "Probably Damaging"; Align-GVGD: "Not Available"). In summary, the available evidence is currently insufficient to determine the role of this variant in disease. Therefore, it has been classified as a Variant of Uncertain Significance.

NM_001371986.1(UNC80):c.6571G>C (p.Glu2191Gln)

Gene: UNC80 (unc-80 subunit of NALCN channel complex; plus strand). Cytogenetic location: 2q34.
Variant type: single nucleotide variant.
Coding change: c.6571G>C on transcript NM_001371986.1 (MANE Select); coding-DNA position 6571, G replaced by C.
Protein change: p.Glu2191Gln; replaces glutamic acid 2191 with glutamine.
Molecular consequence: missense variant.
Genome position (GRCh38, 1-based): chr2:209,939,577, G>C. VCF-style: chr2-209939577-G-C. GRCh37 (hg19) VCF-style: chr2-210804301-G-C.
Other names: c.6373G>C, p.Glu2125Gln (NM_032504.2); c.6358G>C, p.Glu2120Gln (NM_182587.4); short protein forms E2120Q, E2125Q, E2191Q.
Identifiers: ClinVar variation 1717388 (VCV001717388.5), dbSNP rs2471165984, ClinGen allele CA350772062.